The following is an entry in ClinVar:

ClinVar aggregate classification (germline): Uncertain significance (1 of 4 stars; one submission).

Conditions:
Ichthyosis linearis circumflexa. Identifiers: MedGen C0265962, MONDO:0043106, HP:0025810.

Allele frequency attached by ClinVar (database versions not stated): gnomAD exomes below 0.00001; TOPMed 0.00001.
gnomAD v4.1: 1 of 1,612,270 alleles (0.000062%); highest among the groups gnomAD compares: Admixed American, 0.0017%; no homozygotes.

Submission:

Labcorp Genetics (formerly Invitae), Labcorp
Classification: Uncertain significance for Ichthyosis linearis circumflexa. Last evaluated: 2022-04-15. Review status: criteria provided, single submitter. Criteria: Invitae Variant Classification Sherloc (09022015). Collection method: clinical testing. Allele origin: germline.
Comment: In summary, the available evidence is currently insufficient to determine the role of this variant in disease. Therefore, it has been classified as a Variant of Uncertain Significance. Algorithms developed to predict the effect of missense changes on protein structure and function output the following: SIFT: "Tolerated"; PolyPhen-2: "Benign"; Align-GVGD: "Class C0". The glutamic acid amino acid residue is found in multiple mammalian species, which suggests that this missense change does not adversely affect protein function. This variant has not been reported in the literature in individuals affected with SPINK5-related conditions. This variant is not present in population databases (gnomAD no frequency). This sequence change replaces glycine, which is neutral and non-polar, with glutamic acid, which is acidic and polar, at codon 551 of the SPINK5 protein (p.Gly551Glu).

NM_006846.4(SPINK5):c.1652G>A (p.Gly551Glu)

Gene: SPINK5 (serine peptidase inhibitor Kazal type 5; plus strand). Cytogenetic location: 5q32.
Variant type: single nucleotide variant.
Coding change: c.1652G>A on transcript NM_006846.4 (MANE Select); coding-DNA position 1652, G replaced by A.
Protein change: p.Gly551Glu; replaces glycine 551 with glutamic acid.
Molecular consequence: missense variant.
Genome position (GRCh38, 1-based): chr5:148,108,797, G>A. VCF-style: chr5-148108797-G-A. GRCh37 (hg19) VCF-style: chr5-147488360-G-A.
Other names: c.1652G>A, p.Gly551Glu (NM_001127698.2, NM_001127699.2); short protein forms G551E.
Identifiers: ClinVar variation 1981258 (VCV001981258.3), dbSNP rs1753845470, ClinGen allele CA361639567.